The following is an entry in ClinVar:

NM_000182.5(HADHA):c.1812C>T (p.Gly604=)

Genes: HADHA (hydroxyacyl-CoA dehydrogenase trifunctional multienzyme complex subunit alpha; minus strand), GAREM2 (GRB2 associated regulator of MAPK1 subtype 2; plus strand). Cytogenetic location: 2p23.3.
Variant type: single nucleotide variant.
Coding change: c.1812C>T on transcript NM_000182.5 (MANE Select); coding-DNA position 1812, C replaced by T.
Protein change: p.Gly604=; no amino-acid change (glycine 604 retained).
Molecular consequence: synonymous variant.
Genome position (GRCh38, 1-based): chr2:26,193,650, G>A on the plus strand (C>T on the coding strand, the complement: HADHA is on the minus strand). VCF-style: chr2-26193650-G-A. GRCh37 (hg19) VCF-style: chr2-26416519-G-A.
Identifiers: ClinVar variation 2128195 (VCV002128195.4), dbSNP rs1194144995, ClinGen allele CA1559452.

ClinVar aggregate classification (germline): Uncertain significance (1 of 4 stars; one submission).

Conditions:
Long chain 3-hydroxyacyl-CoA dehydrogenase deficiency. Also called: Deficiency of long-chain 3-hydroxyacyl-coenzyme A dehydrogenase; LCHAD Deficiency. Identifiers: Orphanet 5, MedGen C3711645, MONDO:0012173, OMIM 609016.
Mitochondrial trifunctional protein deficiency. Identifiers: Orphanet 746, MedGen C1969443, MONDO:0012172.

Allele frequency attached by ClinVar (database versions not stated): ExAC 0.00001.
gnomAD v4.1: 2 of 1,614,092 alleles (0.00012%); highest among the groups gnomAD compares: South Asian, 0.0022%; no homozygotes.

Submission:

Labcorp Genetics (formerly Invitae), Labcorp
Classification: Uncertain significance for Mitochondrial trifunctional protein deficiency; Long chain 3-hydroxyacyl-CoA dehydrogenase deficiency. Last evaluated: 2022-04-19. Review status: criteria provided, single submitter. Criteria: Invitae Variant Classification Sherloc (09022015). Collection method: clinical testing. Allele origin: germline.
Comment: In summary, the available evidence is currently insufficient to determine the role of this variant in disease. Therefore, it has been classified as a Variant of Uncertain Significance. Algorithms developed to predict the effect of sequence changes on RNA splicing suggest that this variant may create or strengthen a splice site. This variant has not been reported in the literature in individuals affected with HADHA-related conditions. This variant is present in population databases (no rsID available, gnomAD 0.006%). This sequence change affects codon 604 of the HADHA mRNA. It is a 'silent' change, meaning that it does not change the encoded amino acid sequence of the HADHA protein.